The following is an entry in ClinVar:

NM_018896.5(CACNA1G):c.419G>A (p.Gly140Asp)

Gene: CACNA1G (calcium voltage-gated channel subunit alpha1 G; plus strand). Cytogenetic location: 17q21.33.
Variant type: single nucleotide variant.
Coding change: c.419G>A on transcript NM_018896.5 (MANE Select); coding-DNA position 419, G replaced by A.
Protein change: p.Gly140Asp; replaces glycine 140 with aspartic acid.
Molecular consequence: missense variant. On other transcripts: non-coding transcript variant (5).
Genome position (GRCh38, 1-based): chr17:50,569,229, G>A. VCF-style: chr17-50569229-G-A. GRCh37 (hg19) VCF-style: chr17-48646590-G-A.
Other names: c.419G>A, p.Gly140Asp (NM_001256324.2, NM_001256325.2, NM_001256326.2 and 24 more transcripts); short protein forms G140D.
Identifiers: ClinVar variation 1219143 (VCV001219143.3), dbSNP rs2144639419, ClinGen allele CA400226844.

ClinVar aggregate classification (germline): Uncertain significance (1 of 4 stars; one submission).

Submission:

GeneDx
Classification: Uncertain significance. Last evaluated: 2021-04-09. Review status: criteria provided, single submitter. Criteria: GeneDx Variant Classification Process June 2021. Collection method: clinical testing. Allele origin: germline. Affected: yes.
Comment: Not observed in large population cohorts (Lek et al., 2016); In silico analysis supports that this missense variant has a deleterious effect on protein structure/function; Has not been previously published as pathogenic or benign to our knowledge